The following is an entry in ClinVar:

NM_000081.4(LYST):c.1200T>C (p.Leu400=)

Gene: LYST (lysosomal trafficking regulator; minus strand). Cytogenetic location: 1q42.3.
Variant type: single nucleotide variant.
Coding change: c.1200T>C on transcript NM_000081.4 (MANE Select); coding-DNA position 1200, T replaced by C.
Protein change: p.Leu400=; no amino-acid change (leucine 400 retained).
Molecular consequence: synonymous variant.
Genome position (GRCh38, 1-based): chr1:235,809,618, A>G on the plus strand (T>C on the coding strand, the complement: LYST is on the minus strand). VCF-style: chr1-235809618-A-G. GRCh37 (hg19) VCF-style: chr1-235972918-A-G.
Other names: p.Leu400=; c.1200T>C, p.Leu400= (NM_001301365.1).
Identifiers: ClinVar variation 4684306 (VCV004684306.1).

ClinVar aggregate classification (germline): Likely benign (1 of 4 stars; one submission).

gnomAD v4.1: 2 of 1,614,114 alleles (0.00012%); highest among the groups gnomAD compares: South Asian, 0.0022%; no homozygotes.

Submission:

Mayo Clinic Laboratories, Mayo Clinic
Classification: Likely benign. Last evaluated: 2025-10-23. Review status: criteria provided, single submitter. Criteria: ACMG Guidelines, 2015. Collection method: clinical testing. Allele origin: germline. Observed: 1 variant allele.
Comment: BP4, BP7, PM2_supporting